The following is an entry in ClinVar:

ClinVar aggregate classification (germline): Uncertain significance (1 of 4 stars; one submission).

Submission:

Labcorp Genetics (formerly Invitae), Labcorp
Classification: Uncertain significance. Last evaluated: 2022-08-22. Review status: criteria provided, single submitter. Criteria: Invitae Variant Classification Sherloc (09022015). Collection method: clinical testing. Allele origin: germline.
Comment: Algorithms developed to predict the effect of missense changes on protein structure and function are either unavailable or do not agree on the potential impact of this missense change (SIFT: "Deleterious"; PolyPhen-2: "Possibly Damaging"; Align-GVGD: "Class C0"). In summary, the available evidence is currently insufficient to determine the role of this variant in disease. Therefore, it has been classified as a Variant of Uncertain Significance. This variant has not been reported in the literature in individuals affected with MYSM1-related conditions. This sequence change replaces serine, which is neutral and polar, with phenylalanine, which is neutral and non-polar, at codon 41 of the MYSM1 protein (p.Ser41Phe). This variant is not present in population databases (gnomAD no frequency).

NM_001085487.3(MYSM1):c.122C>T (p.Ser41Phe)

Gene: MYSM1 (Myb like, SWIRM and MPN domains 1; minus strand). Cytogenetic location: 1p32.1.
Variant type: single nucleotide variant.
Coding change: c.122C>T on transcript NM_001085487.3 (MANE Select); coding-DNA position 122, C replaced by T.
Protein change: p.Ser41Phe; replaces serine 41 with phenylalanine.
Molecular consequence: missense variant.
Genome position (GRCh38, 1-based): chr1:58,695,154, G>A on the plus strand (C>T on the coding strand, the complement: MYSM1 is on the minus strand). VCF-style: chr1-58695154-G-A. GRCh37 (hg19) VCF-style: chr1-59160826-G-A.
Other names: short protein forms S41F.
Identifiers: ClinVar variation 1715263 (VCV001715263.5), dbSNP rs2524367405, ClinGen allele CA340533922.